The following is an entry in ClinVar:

NM_001454.4(FOXJ1):c.725C>T (p.Thr242Met)

Gene: FOXJ1 (forkhead box J1; minus strand). Cytogenetic location: 17q25.1.
Variant type: single nucleotide variant.
Coding change: c.725C>T on transcript NM_001454.4 (MANE Select); coding-DNA position 725, C replaced by T.
Protein change: p.Thr242Met; replaces threonine 242 with methionine.
Molecular consequence: missense variant.
Genome position (GRCh38, 1-based): chr17:76,137,894, G>A on the plus strand (C>T on the coding strand, the complement: FOXJ1 is on the minus strand). VCF-style: chr17-76137894-G-A. GRCh37 (hg19) VCF-style: chr17-74133975-G-A.
Other names: short protein forms T242M.
Identifiers: ClinVar variation 3048320 (VCV003048320.2), dbSNP rs530162891, ClinGen allele CA8781971.

ClinVar aggregate classification (germline): Likely benign (0 of 4 stars; one submission).

Conditions:
FOXJ1-related disorder. Also called: FOXJ1-related condition.

Allele frequency attached by ClinVar (database versions not stated): gnomAD 0.00018; 1000 Genomes Project 0.00020; TOPMed 0.00020; ExAC 0.00023; 1000 Genomes Project 30x 0.00031.

Submission:

PreventionGenetics, part of Exact Sciences
Classification: Likely benign for FOXJ1-related condition. Last evaluated: 2023-04-08. Review status: no assertion criteria provided. Collection method: clinical testing. Allele origin: germline.
Comment: This variant is classified as likely benign based on ACMG/AMP sequence variant interpretation guidelines (Richards et al. 2015 PMID: 25741868, with internal and published modifications).